The following is an entry in ClinVar:

NM_014974.3(DIP2C):c.604G>A (p.Glu202Lys)

Gene: DIP2C (DIP2 acetate--CoA ligase C (putative); minus strand). Cytogenetic location: 10p15.3.
Variant type: single nucleotide variant.
Coding change: c.604G>A on transcript NM_014974.3 (MANE Select); coding-DNA position 604, G replaced by A.
Protein change: p.Glu202Lys; replaces glutamic acid 202 with lysine.
Molecular consequence: missense variant.
Genome position (GRCh38, 1-based): chr10:422,824, C>T on the plus strand (G>A on the coding strand, the complement: DIP2C is on the minus strand). VCF-style: chr10-422824-C-T. GRCh37 (hg19) VCF-style: chr10-468764-C-T.
Other names: short protein forms E202K.
Identifiers: ClinVar variation 2779213 (VCV002779213.3), dbSNP rs1966292868, ClinGen allele CA375834330.

ClinVar aggregate classification (germline): Uncertain significance (1 of 4 stars; one submission).

Allele frequency attached by ClinVar (database versions not stated): gnomAD exomes below 0.00001.

Submission:

Labcorp Genetics (formerly Invitae), Labcorp
Classification: Uncertain significance. Last evaluated: 2023-07-09. Review status: criteria provided, single submitter. Criteria: Invitae Variant Classification Sherloc (09022015). Collection method: clinical testing. Allele origin: germline.
Comment: In summary, the available evidence is currently insufficient to determine the role of this variant in disease. Therefore, it has been classified as a Variant of Uncertain Significance. Variants that disrupt the consensus splice site are a relatively common cause of aberrant splicing (PMID: 17576681, 9536098). An algorithm developed to predict the effect of missense changes on protein structure and function (PolyPhen-2) suggests that this variant is likely to be tolerated. This variant has not been reported in the literature in individuals affected with DIP2C-related conditions. This variant is not present in population databases (gnomAD no frequency). This sequence change replaces glutamic acid, which is acidic and polar, with lysine, which is basic and polar, at codon 202 of the DIP2C protein (p.Glu202Lys). This variant also falls at the last nucleotide of exon 5, which is part of the consensus splice site for this exon.

Literature cited by the submitters: PubMed 17576681; PubMed 9536098.